The following is an entry in ClinVar:

ClinVar aggregate classification (germline): Uncertain significance (1 of 4 stars; one submission).

Conditions:
Anauxetic dysplasia. Identifiers: Orphanet 93347, MedGen C1846796, MONDO:0011773.

Submission:

Labcorp Genetics (formerly Invitae), Labcorp
Classification: Uncertain significance for Anauxetic dysplasia. Last evaluated: 2022-08-09. Review status: criteria provided, single submitter. Criteria: Invitae Variant Classification Sherloc (09022015). Collection method: clinical testing. Allele origin: germline.
Comment: This variant occurs in the RMRP gene, which encodes an RNA molecule that does not result in a protein product. This variant is not present in population databases (gnomAD no frequency). This variant has not been reported in the literature in individuals affected with RMRP-related conditions. ClinVar contains an entry for this variant (Variation ID: 1395509). Experimental studies and prediction algorithms are not available or were not evaluated, and the functional significance of this variant is currently unknown. Algorithms developed to predict the effect of sequence changes on RNA splicing suggest that this variant may create or strengthen a splice site. In summary, the available evidence is currently insufficient to determine the role of this variant in disease. Therefore, it has been classified as a Variant of Uncertain Significance.

NC_000009.12:g.35657793C>T

Gene: RMRP (RNA component of mitochondrial RNA processing endoribonuclease; minus strand). Cytogenetic location: 9p13.3.
Variant type: single nucleotide variant.
Genome position: GRCh38 VCF-style: chr9-35657793-C-T. GRCh37 (hg19) VCF-style: chr9-35657790-C-T.
Identifiers: ClinVar variation 1395509 (VCV001395509.3), dbSNP rs1472791197, ClinGen allele CA464450417.